The following is an entry in ClinVar:

ClinVar aggregate classification (germline): Uncertain significance. Review status: criteria provided, multiple submitters, no conflicts (2 of 4 stars). 2 submissions from 2 submitters: Uncertain significance (2). Last evaluated 2025-10-22.

Allele frequency attached by ClinVar (database versions not stated): ESP Exome Variant Server 0.00015; ExAC 0.00002; gnomAD 0.00011; TOPMed 0.00007; 1000 Genomes Project 30x 0.00016; 1000 Genomes Project 0.00020.
gnomAD v4.1: 36 of 1,613,750 alleles (0.0022%); highest among the groups gnomAD compares: African/African-American, 0.045%; no homozygotes.

Submissions (2):

Labcorp Genetics (formerly Invitae), Labcorp
Classification: Uncertain significance. Last evaluated: 2025-10-22. Review status: criteria provided, single submitter. Criteria: Invitae Variant Classification Sherloc (09022015). Collection method: clinical testing. Allele origin: germline.
Comment: This sequence change replaces serine, which is neutral and polar, with isoleucine, which is neutral and non-polar, at codon 3466 of the HMCN1 protein (p.Ser3466Ile). This variant is present in population databases (rs145732797, gnomAD 0.04%). This variant has not been reported in the literature in individuals affected with HMCN1-related conditions. ClinVar contains an entry for this variant (Variation ID: 2295567). An algorithm developed to predict the effect of missense changes on protein structure and function (PolyPhen-2) suggests that this variant is likely to be tolerated. In summary, the available evidence is currently insufficient to determine the role of this variant in disease. Therefore, it has been classified as a Variant of Uncertain Significance.

Ambry Genetics
Classification: Uncertain significance. Last evaluated: 2022-06-17. Review status: criteria provided, single submitter. Criteria: Ambry Variant Classification Scheme 2023. Collection method: clinical testing. Allele origin: germline.

NM_031935.3(HMCN1):c.10397G>T (p.Ser3466Ile)

Gene: HMCN1 (hemicentin 1; plus strand). Cytogenetic location: 1q31.1.
Variant type: single nucleotide variant.
Coding change: c.10397G>T on transcript NM_031935.3 (MANE Select); coding-DNA position 10397, G replaced by T.
Protein change: p.Ser3466Ile; replaces serine 3466 with isoleucine.
Molecular consequence: missense variant.
Genome position (GRCh38, 1-based): chr1:186,095,345, G>T. VCF-style: chr1-186095345-G-T. GRCh37 (hg19) VCF-style: chr1-186064477-G-T.
Other names: short protein forms S3466I.
Identifiers: ClinVar variation 2295567 (VCV002295567.4), dbSNP rs145732797, ClinGen allele CA1293717.